The following is an entry in ClinVar:

ClinVar aggregate classification (germline): Uncertain significance (1 of 4 stars; one submission).

Conditions:
6-Pyruvoyl-tetrahydrobiopterin synthase deficiency. Also called: 6-Pyruvoyltetrahydropterin Synthase Deficiency; HYPERPHENYLALANINEMIA, TETRAHYDROBIOPTERIN-DEFICIENT, DUE TO PTS DEFICIENCY; PTS-Related Tetrahydrobiopterin Deficiency; Hyperphenylalanemia, BH4-deficient, A; Hyperphenylalaninemia due to 6-pyruvoyl-tetrahydropterin synthase deficiency; BH4-deficient hyperphenylalaninemia A. Identifiers: Orphanet 13, Orphanet 238583, MedGen C0878676, MONDO:0009863, OMIM 261640.

Submission:

Juno Genomics, Hangzhou Juno Genomics, Inc
Classification: Uncertain significance for 6-Pyruvoyl-tetrahydrobiopterin synthase deficiency. Review status: criteria provided, single submitter. Criteria: ACMG Guidelines, 2015. Collection method: clinical testing. Allele origin: germline. Affected: yes.
Comment: Absent from controls (or at extremely low frequency if recessive) in Genome Aggregation Database, Exome Sequencing Project, 1000 Genomes Project, or Exome Aggregation Consortium.;Patient's phenotype or family history is highly specific for a disease with a single genetic etiology.

NM_000317.3(PTS):c.34G>C (p.Ala12Pro)

Genes: PTS (6-pyruvoyltetrahydropterin synthase; plus strand), LOC130006765 (ATAC-STARR-seq lymphoblastoid silent region 3906; plus strand). Cytogenetic location: 11q23.1.
Variant type: single nucleotide variant.
Coding change: c.34G>C on transcript NM_000317.3 (MANE Select); coding-DNA position 34, G replaced by C.
Protein change: p.Ala12Pro; replaces alanine 12 with proline.
Molecular consequence: missense variant.
Genome position (GRCh38, 1-based): chr11:112,226,477, G>C. VCF-style: chr11-112226477-G-C. GRCh37 (hg19) VCF-style: chr11-112097200-G-C.
Other names: short protein forms A12P.
Identifiers: ClinVar variation 3382440 (VCV003382440.2).